The following is an entry in ClinVar:

ClinVar aggregate classification (germline): Conflicting classifications of pathogenicity. Review status: criteria provided, conflicting classifications (1 of 4 stars). 6 submissions from 6 submitters: Uncertain significance (5); Likely benign (1). Last evaluated 2025-10-13.

Conditions:
Hereditary breast ovarian cancer syndrome. Also called: Hereditary breast and ovarian cancer; Hereditary breast and/or ovarian cancer syndrome; Hereditary breast and ovarian cancer syndrome; Hereditary breast and ovarian cancer syndrome (HBOC); Breast and ovarian cancer; BRCA1- and BRCA2-Associated Hereditary Breast and Ovarian Cancer. Identifiers: Orphanet 145, MedGen C0677776, MeSH D061325, MONDO:0003582. Disease mechanism: loss of function.
Hereditary cancer-predisposing syndrome. Also called: Hereditary neoplastic syndrome; Tumor predisposition; Neoplastic Syndromes, Hereditary; Hereditary Cancer Syndrome. Identifiers: Orphanet 140162, MedGen C0027672, MeSH D009386, MONDO:0015356.

Allele frequency attached by ClinVar (database versions not stated): gnomAD exomes below 0.00001; gnomAD 0.00001.
gnomAD v4.1: 2 of 1,613,816 alleles (0.00012%); highest among the groups gnomAD compares: Admixed American, 0.0033%; no homozygotes.

Submissions (6):

Labcorp Genetics (formerly Invitae), Labcorp
Classification: Uncertain significance for Hereditary breast ovarian cancer syndrome. Last evaluated: 2025-10-13. Review status: criteria provided, single submitter. Criteria: Invitae Variant Classification Sherloc (09022015). Collection method: clinical testing. Allele origin: germline.
Comment: This sequence change replaces serine, which is neutral and polar, with alanine, which is neutral and non-polar, at codon 795 of the BRCA2 protein (p.Ser795Ala). This variant is present in population databases (no rsID available, gnomAD 0.006%). This variant has not been reported in the literature in individuals affected with BRCA2-related conditions. ClinVar contains an entry for this variant (Variation ID: 420537). Invitae Evidence Modeling of protein sequence and biophysical properties (such as structural, functional, and spatial information, amino acid conservation, physicochemical variation, residue mobility, and thermodynamic stability) indicates that this missense variant is not expected to disrupt BRCA2 protein function with a negative predictive value of 95%. In summary, the available evidence is currently insufficient to determine the role of this variant in disease. Therefore, it has been classified as a Variant of Uncertain Significance.

Ambry Genetics
Classification: Uncertain significance for Hereditary cancer-predisposing syndrome. Last evaluated: 2025-03-11. Review status: criteria provided, single submitter. Criteria: Ambry Variant Classification Scheme 2023. Collection method: clinical testing. Allele origin: germline.
Comment: The p.S795A variant (also known as c.2383T>G), located in coding exon 10 of the BRCA2 gene, results from a T to G substitution at nucleotide position 2383. The serine at codon 795 is replaced by alanine, an amino acid with similar properties. This amino acid position is not well conserved in available vertebrate species. In addition, this alteration is predicted to be tolerated by in silico analysis. Since supporting evidence is limited at this time, the clinical significance of this alteration remains unclear.

University of Washington Department of Laboratory Medicine, University of Washington
Classification: Likely benign for Hereditary cancer-predisposing syndrome. Last evaluated: 2023-03-23. Review status: criteria provided, single submitter. Criteria: Dines et al. (Genet Med. 2020). Collection method: curation. Allele origin: germline.
Comment: Missense variant in a coldspot region where missense variants are very unlikely to be pathogenic (PMID:31911673).

BRCA2 exon 11 coldspot. Reclassification based on statistical prior probability.

Color Diagnostics, LLC DBA Color Health
Classification: Uncertain significance for Hereditary cancer-predisposing syndrome. Last evaluated: 2020-09-15. Review status: criteria provided, single submitter. Criteria: ACMG Guidelines, 2015. Collection method: clinical testing. Allele origin: germline.
Comment: This missense variant replaces serine with alanine at codon 795 of the BRCA2 protein. Computational prediction suggests that this variant may not impact protein structure and function (internally defined REVEL score threshold <= 0.5, PMID: 27666373). To our knowledge, functional studies have not been reported for this variant. This variant has not been reported in individuals affected with hereditary cancer in the literature. This variant has been identified in 2/281744 chromosomes in the general population by the Genome Aggregation Database (gnomAD). The available evidence is insufficient to determine the role of this variant in disease conclusively. Therefore, this variant is classified as a Variant of Uncertain Significance.

GeneDx
Classification: Uncertain significance. Last evaluated: 2020-05-20. Review status: criteria provided, single submitter. Criteria: GeneDx Variant Classification Process June 2021. Collection method: clinical testing. Allele origin: germline. Affected: yes.
Comment: Not observed at a significant frequency in large population cohorts (Lek 2016); In silico analysis supports that this missense variant does not alter protein structure/function; Has not been previously published as pathogenic or benign to our knowledge; Also known as 2611T>G

Quest Diagnostics Nichols Institute San Juan Capistrano
Classification: Uncertain significance. Last evaluated: 2017-04-28. Review status: criteria provided, single submitter. Criteria: Quest Diagnostics criteria. Collection method: clinical testing. Allele origin: germline.

NM_000059.4(BRCA2):c.2383T>G (p.Ser795Ala)

Gene: BRCA2 (BRCA2 DNA repair associated; plus strand). Cytogenetic location: 13q13.1.
Variant type: single nucleotide variant.
Coding change: c.2383T>G on transcript NM_000059.4 (MANE Select); coding-DNA position 2383, T replaced by G.
Protein change: p.Ser795Ala; replaces serine 795 with alanine.
Molecular consequence: missense variant.
Genome position (GRCh38, 1-based): chr13:32,336,738, T>G. VCF-style: chr13-32336738-T-G. GRCh37 (hg19) VCF-style: chr13-32910875-T-G.
Other names: short protein forms S795A.
Identifiers: ClinVar variation 420537 (VCV000420537.19), dbSNP rs878853563, ClinGen allele CA16619672.